The following is an entry in ClinVar:

NM_000458.4(HNF1B):c.544+5G>T

Gene: HNF1B (HNF1 homeobox B; minus strand). Cytogenetic location: 17q12.
Variant type: single nucleotide variant.
Coding change: c.544+5G>T on transcript NM_000458.4 (MANE Select); 5 bases into the intron after coding-DNA position 544, G replaced by T.
Molecular consequence: intron variant.
Genome position (GRCh38, 1-based): chr17:37,739,435, C>A on the plus strand (G>T on the coding strand, the complement: HNF1B is on the minus strand). VCF-style: chr17-37739435-C-A. GRCh37 (hg19) VCF-style: chr17-36099426-C-A.
Other names: c.544+5G>T (NM_001304286.2, NM_001165923.4, NM_001411100.1).
Identifiers: ClinVar variation 4858359 (VCV004858359.1).

ClinVar aggregate classification (germline): Uncertain significance (1 of 4 stars; one submission).

Conditions:
Maturity-onset diabetes of the young (MODY). Also called: Maturity onset diabetes mellitus in young. Identifiers: Orphanet 552, MedGen C0342276, MONDO:0018911, HP:0004904.

Submission:

Ambry Genetics
Classification: Uncertain significance for Maturity-onset diabetes of the young. Last evaluated: 2026-05-08. Review status: criteria provided, single submitter. Criteria: Ambry Variant Classification Scheme 2023. Collection method: clinical testing. Allele origin: germline.
Comment: The c.544+5G>T intronic variant consists of a G to T substitution 5 nucleotides after exon 2 (coding exon 2) of the HNF1B gene. This variant was not reported in population-based cohorts in the Genome Aggregation Database (gnomAD). Other variant(s) impacting the same donor site (c.544+1G>A, c.544+1G>C, c.544+1G>T) have been identified in individual(s) with features consistent with HNF1B deficiency (Iwasaki, 2001; Bingham, 2003; Yu, 2023). In silico splice site analysis predicts that this alteration will weaken the native splice donor site and may result in the creation or strengthening of a novel splice donor site. Based on insufficient or conflicting evidence, the clinical significance of this alteration remains unclear.

Literature cited by the submitters: PubMed 11317673; PubMed 12675839; PubMed 36777702.